The following is an entry in ClinVar:

NM_000137.4(FAH):c.90G>A (p.Pro30=)

Gene: FAH (fumarylacetoacetate hydrolase; plus strand). Cytogenetic location: 15q25.1.
Variant type: single nucleotide variant.
Coding change: c.90G>A on transcript NM_000137.4 (MANE Select); coding-DNA position 90, G replaced by A.
Protein change: p.Pro30=; no amino-acid change (proline 30 retained).
Molecular consequence: synonymous variant.
Genome position (GRCh38, 1-based): chr15:80,158,068, G>A. VCF-style: chr15-80158068-G-A. GRCh37 (hg19) VCF-style: chr15-80450410-G-A.
Other names: c.90G>A, p.Pro30= (NM_001374377.1, NM_001374380.1); c.90G>A (NM_000137.2).
Identifiers: ClinVar variation 1119061 (VCV001119061.11), dbSNP rs202195651, ClinGen allele CA7691021.

ClinVar aggregate classification (germline): Likely benign. Review status: criteria provided, multiple submitters, no conflicts (2 of 4 stars). 3 submissions from 3 submitters: Likely benign (3). Last evaluated 2025-12-23.

Conditions:
FAH-related disorder. Also called: FAH-related condition.
Tyrosinemia type I (TYRSN1). Also called: FAH DEFICIENCY; HEPATORENAL TYROSINEMIA; Tyrosinemia type 1; Fumarylacetoacetase deficiency; Deficiency of fumarylacetoacetase. Identifiers: Orphanet 882, MedGen C0268490, MONDO:0010161, OMIM 276700. Disease mechanism: loss of function.

Allele frequency attached by ClinVar (database versions not stated): TOPMed 0.00002; 1000 Genomes Project 30x 0.00016; 1000 Genomes Project 0.00020.

Submissions (3):

Labcorp Genetics (formerly Invitae), Labcorp
Classification: Likely benign for Tyrosinemia type I. Last evaluated: 2025-12-23. Review status: criteria provided, single submitter. Criteria: Invitae Variant Classification Sherloc (09022015). Collection method: clinical testing. Allele origin: germline.

PreventionGenetics, part of Exact Sciences
Classification: Likely benign for FAH-related condition. Last evaluated: 2025-12-11. Review status: criteria provided, single submitter. Criteria: ACMG Guidelines, 2015. Collection method: clinical testing. Allele origin: germline.
Comment: This variant is classified as likely benign based on ACMG/AMP sequence variant interpretation guidelines (Richards et al. 2015 PMID: 25741868, with internal and published modifications).

Blueprint Genetics
Classification: Likely benign. Last evaluated: 2024-10-25. Review status: criteria provided, single submitter. Criteria: ACMG Guidelines, 2015. Collection method: clinical testing. Allele origin: germline.